The following is an entry in ClinVar:

NM_002474.3(MYH11):c.4985A>C (p.Glu1662Ala)

Genes: MYH11 (myosin heavy chain 11; minus strand), NDE1 (nudE neurodevelopment protein 1; plus strand). Cytogenetic location: 16p13.11.
Variant type: single nucleotide variant.
Coding change: c.4985A>C on transcript NM_002474.3 (MANE Select); coding-DNA position 4985, A replaced by C.
Protein change: p.Glu1662Ala; replaces glutamic acid 1662 with alanine.
Molecular consequence: missense variant. On other transcripts: intron variant (2).
Genome position (GRCh38, 1-based): chr16:15,719,682, T>G on the plus strand (A>C on the coding strand, the complement: MYH11 is on the minus strand). VCF-style: chr16-15719682-T-G. GRCh37 (hg19) VCF-style: chr16-15813539-T-G.
Other names: c.5006A>C, p.Glu1669Ala (NM_001040113.2, NM_001040114.2); c.4985A>C, p.Glu1662Ala (NM_022844.3); c.948-4509T>G (NM_001143979.2, NM_017668.3); short protein forms E1662A, E1669A.
Identifiers: ClinVar variation 3069814 (VCV003069814.1), dbSNP rs776805361, ClinGen allele CA7921474.
Genomic context (GRCh38, chr16:15,719,682, plus strand): 5'-GCTTTCTTCTCATTCTCTTTGGCTGTGGCAAAGATCTCATCTCTGGAGGCACGGGCATCT[T>G]CCAGCTCTCTTTGAAAGTCCTTCATCTGAGCCTGCATGAGTCAACAGGGAGGACAAGCTC-3'
Protein context (NP_002465.1, residues 1652-1672): AQMKDFQREL[Glu1662Ala]DARASRDEIF

ClinVar aggregate classification (germline): Uncertain significance (1 of 4 stars; one submission).

Conditions:
Familial thoracic aortic aneurysm and aortic dissection (TAAD). Also called: Thoracic aortic aneurysms and dissections. Identifiers: Orphanet 91387, MedGen C4707243, MONDO:0019625.

Allele frequency attached by ClinVar (database versions not stated): ExAC 0.00001.

Submission:

All of Us Research Program, National Institutes of Health
Classification: Uncertain significance for Familial thoracic aortic aneurysm and aortic dissection. Last evaluated: 2023-03-09. Review status: criteria provided, single submitter. Criteria: ACMG Guidelines, 2015. Collection method: clinical testing. Allele origin: germline. Inheritance: Autosomal dominant inheritance. Observed: 1 variant allele, 1 heterozygote.
Comment: This missense variant replaces glutamic acid with alanine at codon 1669 of the MYH11 protein. Computational prediction is inconclusive regarding the impact of this variant on protein structure and function (internally defined REVEL score threshold 0.5 < inconclusive < 0.7, PMID: 27666373). To our knowledge, functional studies have not been reported for this variant. This variant has not been reported in individuals affected with MYH11-related disorders in the literature. This variant has been identified in 1/251492 chromosomes in the general population by the Genome Aggregation Database (gnomAD). The available evidence is insufficient to determine the role of this variant in disease conclusively. Therefore, this variant is classified as a Variant of Uncertain Significance.

This study involves interpretation of variants in research participants for the purpose of population health screening. Participant phenotype was not available at the time of variant classification. Additional details can be found in publication PMID: 35346344, PMCID: PMC8962531